The following is an entry in ClinVar:

ClinVar aggregate classification (germline): Pathogenic (1 of 4 stars; one submission).

Submission:

GeneDx
Classification: Pathogenic. Last evaluated: 2023-07-12. Review status: criteria provided, single submitter. Criteria: GeneDx Variant Classification Process June 2021. Collection method: clinical testing. Allele origin: germline. Affected: yes.
Comment: Nonsense variant predicted to result in protein truncation or nonsense-mediated decay in a gene for which loss-of-function is a known mechanism of disease; Not observed at significant frequency in large population cohorts (gnomAD); This variant is associated with the following publications: (PMID: 22974014, 25525159, 20186421, 15955093)

NM_001111.5(ADAR):c.1798C>T (p.Gln600Ter)

Gene: ADAR (adenosine deaminase RNA specific; minus strand). Cytogenetic location: 1q21.3.
Variant type: single nucleotide variant.
Coding change: c.1798C>T on transcript NM_001111.5 (MANE Select); coding-DNA position 1798, C replaced by T.
Protein change: p.Gln600Ter; replaces glutamine 600 with a stop codon.
Molecular consequence: nonsense.
Genome position (GRCh38, 1-based): chr1:154,597,964, G>A on the plus strand (C>T on the coding strand, the complement: ADAR is on the minus strand). VCF-style: chr1-154597964-G-A. GRCh37 (hg19) VCF-style: chr1-154570440-G-A.
Other names: c.913C>T, p.Gln305Ter (NM_001025107.3, NM_001193495.2, NM_001365046.1 and 3 more transcripts); c.1825C>T, p.Gln609Ter (NM_001365045.1); c.1798C>T, p.Gln600Ter (NM_015840.4, NM_015841.4); short protein forms Q305*, Q600*, Q609*.
Identifiers: ClinVar variation 2574234 (VCV002574234.1), dbSNP rs2526606398, ClinGen allele CA342639005.